The following is an entry in ClinVar:

ClinVar aggregate classification (germline): Uncertain significance (1 of 4 stars; one submission).

Conditions:
Spastic paraplegia. Identifiers: MedGen C0037772, HP:0001258.

Submission:

Labcorp Genetics (formerly Invitae), Labcorp
Classification: Uncertain significance for Spastic paraplegia. Last evaluated: 2017-03-07. Review status: criteria provided, single submitter. Criteria: Invitae Variant Classification Sherloc (09022015). Collection method: clinical testing. Allele origin: germline.
Comment: This sequence change replaces glutamine with leucine at codon 38 of the ARSI protein (p.Gln38Leu). The glutamine residue is weakly conserved and there is a moderate physicochemical difference between glutamine and leucine. This variant is not present in population databases (ExAC no frequency) and has not been reported in the literature in individuals with a ARSI-related disease. Algorithms developed to predict the effect of missense changes on protein structure and function (SIFT, PolyPhen-2, Align-GVGD) all suggest that this variant is likely to be tolerated, but these predictions have not been confirmed by published functional studies. In summary, this variant is a novel missense change that is not predicted to affect protein function. There is no indication that it causes disease, but the available evidence is currently insufficient to prove that conclusively. Therefore, it has been classified as a Variant of Uncertain Significance.

NM_001012301.4(ARSI):c.113A>T (p.Gln38Leu)

Gene: ARSI (arylsulfatase family member I; minus strand). Cytogenetic location: 5q32.
Variant type: single nucleotide variant.
Coding change: c.113A>T on transcript NM_001012301.4 (MANE Select); coding-DNA position 113, A replaced by T.
Protein change: p.Gln38Leu; replaces glutamine 38 with leucine.
Molecular consequence: missense variant.
Genome position (GRCh38, 1-based): chr5:150,302,261, T>A on the plus strand (A>T on the coding strand, the complement: ARSI is on the minus strand). VCF-style: chr5-150302261-T-A. GRCh37 (hg19) VCF-style: chr5-149681824-T-A.
Other names: short protein forms Q38L.
Identifiers: ClinVar variation 465192 (VCV000465192.8), dbSNP rs1554126383, ClinGen allele CA361738203.